The following is an entry in ClinVar:

NM_000321.3(RB1):c.1348G>A (p.Val450Ile)

Gene: RB1 (RB transcriptional corepressor 1; plus strand). Cytogenetic location: 13q14.2.
Variant type: single nucleotide variant.
Coding change: c.1348G>A on transcript NM_000321.3 (MANE Select); coding-DNA position 1348, G replaced by A.
Protein change: p.Val450Ile; replaces valine 450 with isoleucine.
Molecular consequence: missense variant.
Genome position (GRCh38, 1-based): chr13:48,379,609, G>A. VCF-style: chr13-48379609-G-A. GRCh37 (hg19) VCF-style: chr13-48953745-G-A.
Other names: c.1348G>A, p.Val450Ile (NM_001407165.1, NM_001407166.1); short protein forms V450I.
Identifiers: ClinVar variation 4890839 (VCV004890839.1).
Genomic context (GRCh38, chr13:48,379,609, plus strand): 5'-TTTCTAAAATAGCAGGCTCTTATTTTTCTTTTTGTTTGTTTGTAGCGATACAAACTTGGA[G>A]TTCGCTTGTATTACCGAGTAATGGAATCCATGCTTAAATCAGTAAGTTAAAAACAATATA-3'
Protein context (NP_000312.2, residues 440-460): EIGSQRYKLG[Val450Ile]RLYYRVMESM

ClinVar aggregate classification (germline): Uncertain significance (1 of 4 stars; one submission).

Conditions:
Retinoblastoma (RB1). Also called: RETINOBLASTOMA, SOMATIC. Identifiers: Orphanet 790, MedGen C0035335, MeSH D012175, MONDO:0008380, OMIM 180200, HP:0009919. Disease mechanism: loss of function. Inheritance: Both sporadic and heritable forms are tested..

Submission:

Helix
Classification: Uncertain significance for Retinoblastoma. Last evaluated: 2026-02-11. Review status: criteria provided, single submitter. Criteria: ACMG Guidelines, 2015. Collection method: clinical testing. Allele origin: germline. Inheritance: Autosomal dominant inheritance.
Comment: This variant (NM_000321.3:c.1348G>A p.Val450Ile) results in the substitution of valine with isoleucine at codon 450 in the RB1 protein. It is a rare variant that is absent from the large gnomAD population database (v4.1). To our knowledge, this variant has not been reported in individuals with RB1-related cancers. In silico prediction from REVEL (PMID: 27666373) is indeterminate. In conclusion, since the available evidence is limited, the clinical significance of this variant is unclear at this time. Therefore, it is classified as a Variant of Uncertain Significance.